The following is an entry in ClinVar:

NM_033641.4(COL4A6):c.1142G>A (p.Arg381His)

Gene: COL4A6 (collagen type IV alpha 6 chain; minus strand). Cytogenetic location: Xq22.3.
Variant type: single nucleotide variant.
Coding change: c.1142G>A on transcript NM_033641.4 (MANE Select); coding-DNA position 1142, G replaced by A.
Protein change: p.Arg381His; replaces arginine 381 with histidine.
Molecular consequence: missense variant.
Genome position (GRCh38, 1-based): chrX:108,192,511, C>T on the plus strand (G>A on the coding strand, the complement: COL4A6 is on the minus strand). VCF-style: chrX-108192511-C-T. GRCh37 (hg19) VCF-style: chrX-107435741-C-T.
Other names: c.1142G>A, p.Arg381His (NM_001287758.2, NM_001287759.2, NM_001287760.2); c.1145G>A, p.Arg382His (NM_001847.4); short protein forms R381H, R382H.
Identifiers: ClinVar variation 2198811 (VCV002198811.4), dbSNP rs747676891, ClinGen allele CA10487897.
Genomic context (GRCh38, chrX:108,192,511, plus strand): 5'-GAAATGGGTTAGTTTTTTTCACCTGATAATGCTGGCAATCCAGGGACACCAGAAGGGCCA[C>T]GTAGGCCTTGGATGCCTTCATCTCCTTTAAGGCCTGGGAGGCCAGGTACACCAGGATCTC-3'
Protein context (NP_378667.1, residues 371-391): LKGDEGIQGL[Arg381His]GPSGVPGLPA

ClinVar aggregate classification (germline): Uncertain significance (1 of 4 stars; one submission).

Allele frequency attached by ClinVar (database versions not stated): TOPMed 0.00004; gnomAD 0.00006; gnomAD exomes 0.00006.

Submission:

Labcorp Genetics (formerly Invitae), Labcorp
Classification: Uncertain significance. Last evaluated: 2022-06-17. Review status: criteria provided, single submitter. Criteria: Invitae Variant Classification Sherloc (09022015). Collection method: clinical testing. Allele origin: germline.
Comment: This variant is present in population databases (rs747676891, gnomAD 0.006%). This sequence change replaces arginine, which is basic and polar, with histidine, which is basic and polar, at codon 382 of the COL4A6 protein (p.Arg382His). In summary, the available evidence is currently insufficient to determine the role of this variant in disease. Therefore, it has been classified as a Variant of Uncertain Significance. Algorithms developed to predict the effect of missense changes on protein structure and function output the following: SIFT: "Tolerated"; PolyPhen-2: "Not Available"; Align-GVGD: "Class C0". The histidine amino acid residue is found in multiple mammalian species, which suggests that this missense change does not adversely affect protein function. This variant has not been reported in the literature in individuals affected with COL4A6-related conditions.